The following is an entry in ClinVar:

NM_001035.3(RYR2):c.12997A>G (p.Asn4333Asp)

Genes: RYR2 (ryanodine receptor 2; plus strand), LOC126806068 (BRD4-independent group 4 enhancer GRCh37_chr1:237947411-237948610; plus strand). Cytogenetic location: 1q43.
Variant type: single nucleotide variant.
Coding change: c.12997A>G on transcript NM_001035.3 (MANE Select); coding-DNA position 12997, A replaced by G.
Protein change: p.Asn4333Asp; replaces asparagine 4333 with aspartic acid.
Molecular consequence: missense variant.
Genome position (GRCh38, 1-based): chr1:237,784,709, A>G. VCF-style: chr1-237784709-A-G. GRCh37 (hg19) VCF-style: chr1-237948009-A-G.
Other names: c.12997A>G, p.Asn4333Asp (LRG_402t1); short protein forms N4333D.
Identifiers: ClinVar variation 296762 (VCV000296762.16), dbSNP rs371680410, ClinGen allele CA10609811.

ClinVar aggregate classification (germline): Conflicting classifications of pathogenicity. Review status: criteria provided, conflicting classifications (1 of 4 stars). 5 submissions from 5 submitters: Uncertain significance (4); Likely benign (1). Last evaluated 2026-01-04.

Conditions:
Catecholaminergic polymorphic ventricular tachycardia (CVPT). Also called: Catecholamine-induced polymorphic ventricular tachycardia. Identifiers: Orphanet 3286, MedGen C5574922, MONDO:0017990.
Cardiovascular phenotype. Identifiers: MedGen CN230736.
Cardiomyopathy (CMYO). Also called: Cardiomyopathies. Identifiers: Orphanet 167848, MedGen C0878544, MONDO:0004994, HP:0001638. Inheritance: Various modes of inheritance.
Catecholaminergic polymorphic ventricular tachycardia 1. Also called: VENTRICULAR TACHYCARDIA, CATECHOLAMINERGIC POLYMORPHIC, 1, WITH OR WITHOUT ATRIAL DYSFUNCTION AND/OR DILATED CARDIOMYOPATHY; VENTRICULAR TACHYCARDIA, STRESS-INDUCED POLYMORPHIC 1; RYR2-Related Catecholaminergic Polymorphic Ventricular Tachycardia. Identifiers: Orphanet 3286, MedGen C1631597, MONDO:0011484, OMIM 604772.

Allele frequency attached by ClinVar (database versions not stated): gnomAD exomes below 0.00001; TOPMed below 0.00001; ESP Exome Variant Server 0.00008.
gnomAD v4.1: 3 of 1,607,996 alleles (0.00019%); highest among the groups gnomAD compares: Middle Eastern, 0.017%; no homozygotes.

Submissions (5):

Labcorp Genetics (formerly Invitae), Labcorp
Classification: Uncertain significance for Catecholaminergic polymorphic ventricular tachycardia 1. Last evaluated: 2026-01-04. Review status: criteria provided, single submitter. Criteria: Invitae Variant Classification Sherloc (09022015). Collection method: clinical testing. Allele origin: germline.
Comment: This sequence change replaces asparagine, which is neutral and polar, with aspartic acid, which is acidic and polar, at codon 4333 of the RYR2 protein (p.Asn4333Asp). This variant is not present in population databases (gnomAD no frequency). This variant has not been reported in the literature in individuals affected with RYR2-related conditions. ClinVar contains an entry for this variant (Variation ID: 296762). Invitae Evidence Modeling of protein sequence and biophysical properties (such as structural, functional, and spatial information, amino acid conservation, physicochemical variation, residue mobility, and thermodynamic stability) indicates that this missense variant is not expected to disrupt RYR2 protein function with a negative predictive value of 95%. In summary, the available evidence is currently insufficient to determine the role of this variant in disease. Therefore, it has been classified as a Variant of Uncertain Significance.

Ambry Genetics
Classification: Likely benign for Cardiovascular phenotype. Last evaluated: 2025-12-05. Review status: criteria provided, single submitter. Criteria: Ambry Variant Classification Scheme 2023. Collection method: clinical testing. Allele origin: germline.

Women's Health and Genetics/Laboratory Corporation of America, LabCorp
Classification: Uncertain significance. Last evaluated: 2023-07-14. Review status: criteria provided, single submitter. Criteria: LabCorp Variant Classification Summary - May 2015. Collection method: clinical testing. Allele origin: germline.
Comment: Variant summary: RYR2 c.12997A>G (p.Asn4333Asp) results in a conservative amino acid change in the encoded protein sequence. Four of five in-silico tools predict a benign effect of the variant on protein function. The variant was absent in 246576 control chromosomes (gnomAD). The available data on variant occurrences in the general population are insufficient to allow any conclusion about variant significance. To our knowledge, no occurrence of c.12997A>G in individuals affected with Catecholaminergic Polymorphic Ventricular Tachycardia and no experimental evidence demonstrating its impact on protein function have been reported. Two ClinVar submitters have assessed the variant since 2014: both classified the variant as uncertain significance. Based on the evidence outlined above, the variant was classified as uncertain significance.

All of Us Research Program, National Institutes of Health
Classification: Uncertain significance for Catecholaminergic polymorphic ventricular tachycardia. Last evaluated: 2023-04-10. Review status: criteria provided, single submitter. Criteria: ACMG Guidelines, 2015. Collection method: clinical testing. Allele origin: germline. Inheritance: Autosomal dominant inheritance. Observed: 2 variant alleles, 2 heterozygotes.
Comment: This missense variant replaces asparagine with aspartic acid at codon 4333 of the RYR2 protein. Computational prediction suggests that this variant may not impact protein structure and function (internally defined REVEL score threshold <= 0.5, PMID: 27666373). To our knowledge, functional studies have not been reported for this variant. This variant has not been reported in individuals affected with RYR2-related disorders in the literature. This variant has not been identified in the general population by the Genome Aggregation Database (gnomAD). The available evidence is insufficient to determine the role of this variant in disease conclusively. Therefore, this variant is classified as a Variant of Uncertain Significance.

This study involves interpretation of variants in research participants for the purpose of population health screening. Participant phenotype was not available at the time of variant classification. Additional details can be found in publication PMID: 35346344, PMCID: PMC8962531

Color Diagnostics, LLC DBA Color Health
Classification: Uncertain significance for Cardiomyopathy. Last evaluated: 2023-03-21. Review status: criteria provided, single submitter. Criteria: ACMG Guidelines, 2015. Collection method: clinical testing. Allele origin: germline.
Comment: This missense variant replaces asparagine with aspartic acid at codon 4333 of the RYR2 protein. Computational prediction suggests that this variant may not impact protein structure and function (internally defined REVEL score threshold <= 0.5, PMID: 27666373). To our knowledge, functional studies have not been reported for this variant. This variant has not been reported in individuals affected with RYR2-related disorders in the literature. This variant has not been identified in the general population by the Genome Aggregation Database (gnomAD). The available evidence is insufficient to determine the role of this variant in disease conclusively. Therefore, this variant is classified as a Variant of Uncertain Significance.